The following is an entry in ClinVar:

ClinVar aggregate classification (germline): Uncertain significance (1 of 4 stars; one submission).

Conditions:
Xeroderma pigmentosum, group F (XPF). Also called: ERCC4-Related Xeroderma Pigmentosum; XERODERMA PIGMENTOSUM, TYPE F; Xeroderma pigmentosum, type 6; XERODERMA PIGMENTOSUM, COMPLEMENTATION GROUP F; XERODERMA PIGMENTOSUM VI; XP, GROUP F. Identifiers: MedGen C0268140, MONDO:0010215, OMIM 278760.
Cockayne syndrome. Identifiers: Orphanet 191, MedGen C0009207, MONDO:0016006.
Fanconi anemia complementation group Q. Identifiers: Orphanet 84, MedGen C3808988, MONDO:0014108, OMIM 615272.

gnomAD v4.1: 2 of 1,614,184 alleles (0.00012%); highest among the groups gnomAD compares: African/African-American, 0.0013%; no homozygotes.

Submission:

Labcorp Genetics (formerly Invitae), Labcorp
Classification: Uncertain significance for Fanconi anemia complementation group Q; Xeroderma pigmentosum, group F; Cockayne syndrome. Last evaluated: 2022-03-12. Review status: criteria provided, single submitter. Criteria: Invitae Variant Classification Sherloc (09022015). Collection method: clinical testing. Allele origin: germline.
Comment: In summary, the available evidence is currently insufficient to determine the role of this variant in disease. Therefore, it has been classified as a Variant of Uncertain Significance. This sequence change replaces glutamine, which is neutral and polar, with arginine, which is basic and polar, at codon 144 of the ERCC4 protein (p.Gln144Arg). This variant is not present in population databases (gnomAD no frequency). This variant has not been reported in the literature in individuals affected with ERCC4-related conditions. Algorithms developed to predict the effect of missense changes on protein structure and function are either unavailable or do not agree on the potential impact of this missense change (SIFT: "Tolerated"; PolyPhen-2: "Possibly Damaging"; Align-GVGD: "Class C0").

NM_005236.3(ERCC4):c.431A>G (p.Gln144Arg)

Gene: ERCC4 (ERCC excision repair 4, endonuclease catalytic subunit; plus strand). Cytogenetic location: 16p13.12.
Variant type: single nucleotide variant.
Coding change: c.431A>G on transcript NM_005236.3 (MANE Select); coding-DNA position 431, A replaced by G.
Protein change: p.Gln144Arg; replaces glutamine 144 with arginine.
Molecular consequence: missense variant.
Genome position (GRCh38, 1-based): chr16:13,926,603, A>G. VCF-style: chr16-13926603-A-G. GRCh37 (hg19) VCF-style: chr16-14020460-A-G.
Other names: short protein forms Q144R.
Identifiers: ClinVar variation 1924942 (VCV001924942.5), dbSNP rs2032076810, ClinGen allele CA394819681.